The following is an entry in ClinVar:

NM_005826.5(HNRNPR):c.482C>G (p.Pro161Arg)

Gene: HNRNPR (heterogeneous nuclear ribonucleoprotein R; minus strand). Cytogenetic location: 1p36.12.
Variant type: single nucleotide variant.
Coding change: c.482C>G on transcript NM_005826.5 (MANE Select); coding-DNA position 482, C replaced by G.
Protein change: p.Pro161Arg; replaces proline 161 with arginine.
Molecular consequence: missense variant. On other transcripts: intron variant (2).
Genome position (GRCh38, 1-based): chr1:23,333,534, G>C on the plus strand (C>G on the coding strand, the complement: HNRNPR is on the minus strand). VCF-style: chr1-23333534-G-C. GRCh37 (hg19) VCF-style: chr1-23660027-G-C.
Other names: c.179C>G, p.Pro60Arg (NM_001102397.3, NM_001102399.3, NM_001297621.2); c.482C>G, p.Pro161Arg (NM_001102398.3); c.81+4220C>G (NM_001297622.2); c.384+4220C>G (NM_001297620.2); short protein forms P161R, P60R.
Identifiers: ClinVar variation 3572748 (VCV003572748.1).

ClinVar aggregate classification (germline): Uncertain significance (1 of 4 stars; one submission).

Submission:

GeneDx
Classification: Uncertain significance. Last evaluated: 2024-07-12. Review status: criteria provided, single submitter. Criteria: GeneDx Variant Classification Process June 2021. Collection method: clinical testing. Allele origin: germline. Affected: yes.
Comment: Not observed at significant frequency in large population cohorts (gnomAD); In silico analysis supports that this missense variant has a deleterious effect on protein structure/function; Has not been previously published as pathogenic or benign to our knowledge